The following is an entry in ClinVar:

ClinVar aggregate classification (germline): Uncertain significance (1 of 4 stars; one submission).

Conditions:
Myofibrillar myopathy 5. Also called: FILAMINOPATHY, AUTOSOMAL DOMINANT; Filaminopathy (type). Identifiers: Orphanet 171445, MedGen C1836050, MONDO:0012289, OMIM 609524.
Distal myopathy with posterior leg and anterior hand involvement. Also called: WILLIAMS DISTAL MYOPATHY. Identifiers: Orphanet 63273, MedGen C3279722, MONDO:0013550, OMIM 614065.
Hypertrophic cardiomyopathy 26. Also called: Cardiomyopathy, familial hypertrophic, 26. Identifiers: Orphanet 75249, MedGen C4310749, MONDO:0014883, OMIM 617047.

Allele frequency attached by ClinVar (database versions not stated): gnomAD exomes below 0.00001; ExAC 0.00001.
gnomAD v4.1: 1 of 1,613,956 alleles (0.000062%); highest among the groups gnomAD compares: Non-Finnish European, 0.000085%; no homozygotes.

Submission:

Labcorp Genetics (formerly Invitae), Labcorp
Classification: Uncertain significance for Distal myopathy with posterior leg and anterior hand involvement; Myofibrillar myopathy 5; Hypertrophic cardiomyopathy 26. Last evaluated: 2021-10-12. Review status: criteria provided, single submitter. Criteria: Invitae Variant Classification Sherloc (09022015). Collection method: clinical testing. Allele origin: germline.
Comment: Algorithms developed to predict the effect of missense changes on protein structure and function (SIFT, PolyPhen-2, Align-GVGD) all suggest that this variant is likely to be tolerated. This sequence change replaces alanine with valine at codon 1219 of the FLNC protein (p.Ala1219Val). The alanine residue is moderately conserved and there is a small physicochemical difference between alanine and valine. This variant is present in population databases (rs775551445, ExAC 0.002%). This variant has not been reported in the literature in individuals affected with FLNC-related conditions. In summary, the available evidence is currently insufficient to determine the role of this variant in disease. Therefore, it has been classified as a Variant of Uncertain Significance.

NM_001458.5(FLNC):c.3656C>T (p.Ala1219Val)

Gene: FLNC (filamin C; plus strand). Cytogenetic location: 7q32.1.
Variant type: single nucleotide variant.
Coding change: c.3656C>T on transcript NM_001458.5 (MANE Select); coding-DNA position 3656, C replaced by T.
Protein change: p.Ala1219Val; replaces alanine 1219 with valine.
Molecular consequence: missense variant.
Genome position (GRCh38, 1-based): chr7:128,845,121, C>T. VCF-style: chr7-128845121-C-T. GRCh37 (hg19) VCF-style: chr7-128485175-C-T.
Other names: c.3656C>T, p.Ala1219Val (NM_001127487.2); short protein forms A1219V.
Identifiers: ClinVar variation 1490208 (VCV001490208.6), dbSNP rs775551445, ClinGen allele CA4475094.